The following is an entry in ClinVar:

ClinVar aggregate classification (germline): Uncertain significance (1 of 4 stars; one submission).

gnomAD v4.1: 71 of 1,613,706 alleles (0.0044%); highest among the groups gnomAD compares: Non-Finnish European, 0.0059%; no homozygotes.

Submission:

Ambry Genetics
Classification: Uncertain significance. Last evaluated: 2025-11-20. Review status: criteria provided, single submitter. Criteria: Ambry Variant Classification Scheme 2023. Collection method: clinical testing. Allele origin: germline.
Comment: The c.2585A>G (p.H862R) alteration is located in exon 18 (coding exon 18) of the PRKD1 gene. This alteration results from a A to G substitution at nucleotide position 2585, causing the histidine (H) at amino acid position 862 to be replaced by an arginine (R). Based on data from gnomAD, the G allele has an overall frequency of <0.001% (1/250840) total alleles studied. The highest observed frequency was 0.001% (1/113228) of European (non-Finnish) alleles. Based on insufficient or conflicting evidence, the clinical significance of this alteration remains unclear.

NM_002742.3(PRKD1):c.2585A>G (p.His862Arg)

Gene: PRKD1 (protein kinase D1; minus strand). Cytogenetic location: 14q12.
Variant type: single nucleotide variant.
Coding change: c.2585A>G on transcript NM_002742.3 (MANE Select); coding-DNA position 2585, A replaced by G.
Protein change: p.His862Arg; replaces histidine 862 with arginine.
Molecular consequence: missense variant.
Genome position (GRCh38, 1-based): chr14:29,577,392, T>C on the plus strand (A>G on the coding strand, the complement: PRKD1 is on the minus strand). VCF-style: chr14-29577392-T-C. GRCh37 (hg19) VCF-style: chr14-30046598-T-C.
Other names: c.2609A>G, p.His870Arg (NM_001330069.2); c.2321A>G, p.His774Arg (NM_001348390.1); short protein forms H774R, H862R, H870R.
Identifiers: ClinVar variation 4572099 (VCV004572099.1).
Genomic context (GRCh38, chr14:29,577,392, plus strand): 5'-GTGGGGTACTGCAGCCCCTGCTCGCCTGCATACTTCTCCCACCTCAGGTCATCACTTTCA[T>C]GGGTGATGTAGCGCTCCCCGATTTTGCATTCCAGCTCTCGCAAATCTAACCAGGTCTGAT-3'
Protein context (NP_002733.2, residues 852-872): ECKIGERYIT[His862Arg]ESDDLRWEKY